The following is an entry in ClinVar:

NM_004304.5(ALK):c.2133C>T (p.Ser711=)

Gene: ALK (ALK receptor tyrosine kinase; minus strand). Cytogenetic location: 2p23.2.
Variant type: single nucleotide variant.
Coding change: c.2133C>T on transcript NM_004304.5 (MANE Select); coding-DNA position 2133, C replaced by T.
Protein change: p.Ser711=; no amino-acid change (serine 711 retained).
Molecular consequence: synonymous variant.
Genome position (GRCh38, 1-based): chr2:29,251,176, G>A on the plus strand (C>T on the coding strand, the complement: ALK is on the minus strand). VCF-style: chr2-29251176-G-A. GRCh37 (hg19) VCF-style: chr2-29474042-G-A.
Identifiers: ClinVar variation 239800 (VCV000239800.22), dbSNP rs77102810, ClinGen allele CA1594430.

ClinVar aggregate classification (germline): Benign. Review status: criteria provided, multiple submitters, no conflicts (2 of 4 stars). 6 submissions from 6 submitters: Benign (6). Last evaluated 2026-01-30.

Conditions:
Hereditary cancer-predisposing syndrome. Also called: Neoplastic Syndromes, Hereditary; Tumor predisposition; Hereditary neoplastic syndrome; Hereditary Cancer Syndrome. Identifiers: Orphanet 140162, MedGen C0027672, MeSH D009386, MONDO:0015356.
Neuroblastoma, susceptibility to, 3. Also called: ALK-Related Neuroblastic Tumor Susceptibility. Identifiers: Orphanet 635, MedGen C2751681, MONDO:0013083, OMIM 613014.

Allele frequency attached by ClinVar (database versions not stated): gnomAD exomes 0.00065 and 0.00155; ExAC 0.00190; ESP Exome Variant Server 0.00569; gnomAD 0.00619 and 0.00647; TOPMed 0.00639; 1000 Genomes Project 30x 0.00781; 1000 Genomes Project 0.00799.
gnomAD v4.1: 1,917 of 1,614,072 alleles (0.12%); highest among the groups gnomAD compares: African/African-American, 2.2%; 18 homozygotes.

Submissions (6):

Labcorp Genetics (formerly Invitae), Labcorp
Classification: Benign for Neuroblastoma, susceptibility to, 3. Last evaluated: 2026-01-30. Review status: criteria provided, single submitter. Criteria: Invitae Variant Classification Sherloc (09022015). Collection method: clinical testing. Allele origin: germline.

KCCC/NGS Laboratory, Kuwait Cancer Control Center
Classification: Benign for Neuroblastoma, susceptibility to, 3. Last evaluated: 2023-07-07. Review status: criteria provided, single submitter. Criteria: ACMG Guidelines, 2015. Collection method: clinical testing. Allele origin: germline. Affected: yes.

Women's Health and Genetics/Laboratory Corporation of America, LabCorp
Classification: Benign. Last evaluated: 2023-04-22. Review status: criteria provided, single submitter. Criteria: LabCorp Variant Classification Summary - May 2015. Collection method: clinical testing. Allele origin: germline.

Ambry Genetics
Classification: Benign for Hereditary cancer-predisposing syndrome. Last evaluated: 2018-10-01. Review status: criteria provided, single submitter. Criteria: Ambry Variant Classification Scheme 2023. Collection method: clinical testing. Allele origin: germline.

GeneDx
Classification: Benign. Last evaluated: 2018-06-18. Review status: criteria provided, single submitter. Criteria: GeneDx Variant Classification (06012015). Collection method: clinical testing. Allele origin: germline. Affected: yes.
Comment: This variant is considered likely benign or benign based on one or more of the following criteria: it is a conservative change, it occurs at a poorly conserved position in the protein, it is predicted to be benign by multiple in silico algorithms, and/or has population frequency not consistent with disease.

Illumina Laboratory Services, Illumina
Classification: Benign for Neuroblastoma, susceptibility to, 3. Last evaluated: 2018-01-13. Review status: criteria provided, single submitter. Criteria: ICSL Variant Classification Criteria 13 December 2019. Collection method: clinical testing. Allele origin: germline.
Comment: This variant was observed in the ICSL laboratory as part of a predisposition screen in an ostensibly healthy population. It had not been previously curated by ICSL or reported in the Human Gene Mutation Database (HGMD: prior to June 1st, 2018), and was therefore a candidate for classification through an automated scoring system. Utilizing variant allele frequency, disease prevalence and penetrance estimates, and inheritance mode, an automated score was calculated to assess if this variant is too frequent to cause the disease. Based on the score and internal cut-off values, a variant classified as benign is not then subjected to further curation. The score for this variant resulted in a classification of benign for this disease.